The following is an entry in ClinVar:

ClinVar aggregate classification (germline): Uncertain significance (1 of 4 stars; one submission).

Submission:

GeneDx
Classification: Uncertain significance. Last evaluated: 2019-05-09. Review status: criteria provided, single submitter. Criteria: GeneDx Variant Classification Process June 2021. Collection method: clinical testing. Allele origin: germline. Affected: yes.
Comment: Not observed in large population cohorts (Lek et al., 2016); In silico analysis, which includes protein predictors and evolutionary conservation, supports a deleterious effect; Has not been previously published as pathogenic or benign to our knowledge

NM_001375524.1(TRRAP):c.1274A>G (p.Asn425Ser)

Gene: TRRAP (transformation/transcription domain associated protein; plus strand). Cytogenetic location: 7q22.1.
Variant type: single nucleotide variant.
Coding change: c.1274A>G on transcript NM_001375524.1 (MANE Select); coding-DNA position 1274, A replaced by G.
Protein change: p.Asn425Ser; replaces asparagine 425 with serine.
Molecular consequence: missense variant.
Genome position (GRCh38, 1-based): chr7:98,908,886, A>G. VCF-style: chr7-98908886-A-G. GRCh37 (hg19) VCF-style: chr7-98506509-A-G.
Other names: c.1274A>G, p.Asn425Ser (NM_001244580.2, NM_003496.4); short protein forms N425S.
Identifiers: ClinVar variation 1305637 (VCV001305637.2), dbSNP rs2116398561, ClinGen allele CA368283993.